The following is an entry in ClinVar:

ClinVar aggregate classification (germline): Benign. Review status: criteria provided, multiple submitters, no conflicts (2 of 4 stars). 2 submissions from 2 submitters: Benign (2). Last evaluated 2018-01-13.

Conditions:
Aneurysm-osteoarthritis syndrome. Also called: SMAD3-Related Loeys-Dietz Syndrome; Loeys-Dietz syndrome, type 1C; ANEURYSMS-OSTEOARTHRITIS SYNDROME; LOEYS-DIETZ SYNDROME WITH OSTEOARTHRITIS. Identifiers: Orphanet 284984, MedGen C3151087, MONDO:0013426, OMIM 613795.

Allele frequency attached by ClinVar (database versions not stated): gnomAD 0.19499 and 0.20310; TOPMed 0.20956; 1000 Genomes Project 30x 0.24938; 1000 Genomes Project 0.25479; gnomAD exomes 0.27118.
gnomAD v4.1: 52,757 of 233,310 alleles (23%); highest among the groups gnomAD compares: East Asian, 48%; 7,232 homozygotes.

Submissions (2):

Illumina Laboratory Services, Illumina
Classification: Benign for Aneurysm-osteoarthritis syndrome. Last evaluated: 2018-01-13. Review status: criteria provided, single submitter. Criteria: ICSL Variant Classification Criteria 13 December 2019. Collection method: clinical testing. Allele origin: germline.
Comment: This variant was observed in the ICSL laboratory as part of a predisposition screen in an ostensibly healthy population. It had not been previously curated by ICSL or reported in the Human Gene Mutation Database (HGMD: prior to June 1st, 2018), and was therefore a candidate for classification through an automated scoring system. Utilizing variant allele frequency, disease prevalence and penetrance estimates, and inheritance mode, an automated score was calculated to assess if this variant is too frequent to cause the disease. Based on the score and internal cut-off values, a variant classified as benign is not then subjected to further curation. The score for this variant resulted in a classification of benign for this disease.

Breakthrough Genomics
Classification: Benign. Review status: criteria provided, single submitter. Criteria: ACMG Guidelines, 2015. Collection method: not provided. Allele origin: germline. Inheritance: Autosomal dominant inheritance. Affected: yes.

NM_005902.4(SMAD3):c.*2793C>T

Gene: SMAD3 (SMAD family member 3; plus strand). Cytogenetic location: 15q22.33.
Variant type: single nucleotide variant.
Coding change: c.*2793C>T on transcript NM_005902.4 (MANE Select); 2793 bases downstream of the stop codon, C replaced by T.
Molecular consequence: 3 prime UTR variant.
Genome position (GRCh38, 1-based): chr15:67,193,329, C>T. VCF-style: chr15-67193329-C-T. GRCh37 (hg19) VCF-style: chr15-67485667-C-T.
Other names: c.*2793C>T (NM_001145102.2, NM_001145103.2, NM_001145104.2).
Identifiers: ClinVar variation 316947 (VCV000316947.7), dbSNP rs3743342, ClinGen allele CA10642458.
Genomic context (GRCh38, chr15:67,193,329, plus strand): 5'-CTAGTCAACACGACCGCGTGTGTTGCCCCTGCCCTGGGCTCCCCGCCATGACATCTTCAC[C>T]TTGCAGCTTGTGCTGAGACTGACCCAAGTGCAGCTAGCACTGGGACACAGATCCTTGTCT-3'